The following is an entry in ClinVar:

ClinVar aggregate classification (germline): Likely pathogenic (1 of 4 stars; one submission).

Conditions:
Early-infantile DEE. Also called: Early infantile epileptic encephalopathy with suppression bursts; Early infantile epileptic encephalopathy; Ohtahara syndrome. Identifiers: Orphanet 1934, MedGen C0393706, MONDO:0800491.

Submission:

Labcorp Genetics (formerly Invitae), Labcorp
Classification: Likely pathogenic for Early-infantile DEE. Last evaluated: 2019-02-07. Review status: criteria provided, single submitter. Criteria: Invitae Variant Classification Sherloc (09022015). Collection method: clinical testing. Allele origin: germline.
Comment: This variant is not present in population databases (ExAC no frequency). In summary, the currently available evidence indicates that the variant is pathogenic, but additional data are needed to prove that conclusively. Therefore, this variant has been classified as Likely Pathogenic. Algorithms developed to predict the effect of missense changes on protein structure and function are either unavailable or do not agree on the potential impact of this missense change (SIFT: "Tolerated"; PolyPhen-2: "Probably Damaging"; Align-GVGD: "Class C0"). This sequence change replaces lysine with glutamic acid at codon 283 of the KCNQ2 protein (p.Lys283Glu). The lysine residue is highly conserved and there is a small physicochemical difference between lysine and glutamic acid.

NM_172107.4(KCNQ2):c.847A>G (p.Lys283Glu)

Gene: KCNQ2 (potassium voltage-gated channel subfamily Q member 2; minus strand). Cytogenetic location: 20q13.33.
Variant type: single nucleotide variant.
Coding change: c.847A>G on transcript NM_172107.4 (MANE Select); coding-DNA position 847, A replaced by G.
Protein change: p.Lys283Glu; replaces lysine 283 with glutamic acid.
Molecular consequence: missense variant.
Genome position (GRCh38, 1-based): chr20:63,439,678, T>C on the plus strand (A>G on the coding strand, the complement: KCNQ2 is on the minus strand). VCF-style: chr20-63439678-T-C. GRCh37 (hg19) VCF-style: chr20-62071031-T-C.
Other names: c.847A>G, p.Lys283Glu (NM_004518.6, NM_172106.3, NM_172108.5 and 1 more transcripts); short protein forms K283E.
Identifiers: ClinVar variation 648864 (VCV000648864.11), dbSNP rs1600755429, ClinGen allele CA409652675.
Genomic context (GRCh38, chr20:63,439,678, plus strand): 5'-AGACACCGATGAGGGTGAAGGTTGCCGCAAGGAGCCTGCCGTTCCAGGTCTGGGGGTACT[T>C]GTCCCCGTAGCCAATGGTGGTCAGCGTGATCTGTGGGACCGCAGGCTCTAGTCACACGAA-3'
Protein context (NP_742105.1, residues 273-293): ITLTTIGYGD[Lys283Glu]YPQTWNGRLL